The following is an entry in ClinVar:

ClinVar aggregate classification (germline): Uncertain significance. Review status: criteria provided, multiple submitters, no conflicts (2 of 4 stars). 2 submissions from 2 submitters: Uncertain significance (2). Last evaluated 2024-06-12.

Conditions:
Cardiovascular phenotype. Identifiers: MedGen CN230736.

Allele frequency attached by ClinVar (database versions not stated): gnomAD exomes below 0.00001; ExAC 0.00001.
gnomAD v4.1: 2 of 1,611,732 alleles (0.00012%); highest among the groups gnomAD compares: Non-Finnish European, 0.00017%; no homozygotes.

Submissions (2):

Ambry Genetics
Classification: Uncertain significance for Cardiovascular phenotype. Last evaluated: 2024-06-12. Review status: criteria provided, single submitter. Criteria: Ambry Variant Classification Scheme 2023. Collection method: clinical testing. Allele origin: germline.
Comment: The p.L691R variant (also known as c.2072T>G), located in coding exon 12 of the PCSK9 gene, results from a T to G substitution at nucleotide position 2072. The leucine at codon 691 is replaced by arginine, an amino acid with dissimilar properties. This amino acid position is conserved. In addition, this alteration is predicted to be tolerated by in silico analysis. Based on the available evidence, the clinical significance of this variant remains unclear.

Mendelics
Classification: Uncertain significance. Last evaluated: 2022-05-04. Review status: criteria provided, single submitter. Criteria: Mendelics Assertion Criteria 2019. Collection method: clinical testing. Allele origin: germline.

NM_174936.4(PCSK9):c.2072T>G (p.Leu691Arg)

Gene: PCSK9 (proprotein convertase subtilisin/kexin type 9; plus strand). Cytogenetic location: 1p32.3.
Variant type: single nucleotide variant.
Coding change: c.2072T>G on transcript NM_174936.4 (MANE Select); coding-DNA position 2072, T replaced by G.
Protein change: p.Leu691Arg; replaces leucine 691 with arginine.
Molecular consequence: missense variant.
Genome position (GRCh38, 1-based): chr1:55,063,577, T>G. VCF-style: chr1-55063577-T-G. GRCh37 (hg19) VCF-style: chr1-55529250-T-G.
Other names: c.2195T>G, p.Leu732Arg (NM_001407240.1); c.2114T>G, p.Leu705Arg (NM_001407241.1); c.2075T>G, p.Leu692Arg (NM_001407242.1); c.2015T>G, p.Leu672Arg (NM_001407243.1); c.1898T>G, p.Leu633Arg (NM_001407244.1); c.1880T>G, p.Leu627Arg (NM_001407245.1); c.1697T>G, p.Leu566Arg (NM_001407246.1); c.1571T>G, p.Leu524Arg (NM_001407247.1); short protein forms L691R, L633R, L672R, L692R, L627R, L524R, L566R, L705R.
Identifiers: ClinVar variation 1684994 (VCV001684994.3), dbSNP rs748956735, ClinGen allele CA040609.
Genomic context (GRCh38, chr1:55,063,577, plus strand): 5'-CCGTGACAGCCGTTGCCATCTGCTGCCGGAGCCGGCACCTGGCGCAGGCCTCCCAGGAGC[T>G]CCAGTGACAGCCCCATCCCAGGATGGGTGTCTGGGGAGGGTCAAGGGCTGGGGCTGAGCT-3'
Protein context (NP_777596.2, residues 681-692): SRHLAQASQE[Leu691Arg]Q